The following is an entry in ClinVar:

ClinVar aggregate classification (germline): Likely pathogenic (1 of 4 stars; one submission).

Allele frequency attached by ClinVar (database versions not stated): gnomAD exomes below 0.00001; TOPMed below 0.00001.

Submission:

Labcorp Genetics (formerly Invitae), Labcorp
Classification: Likely pathogenic. Last evaluated: 2022-03-31. Review status: criteria provided, single submitter. Criteria: Invitae Variant Classification Sherloc (09022015). Collection method: clinical testing. Allele origin: germline.
Comment: In summary, the currently available evidence indicates that the variant is pathogenic, but additional data are needed to prove that conclusively. Therefore, this variant has been classified as Likely Pathogenic. Algorithms developed to predict the effect of sequence changes on RNA splicing suggest that this variant may disrupt the consensus splice site. Disruption of this splice site has been observed in individual(s) with clinical features of hyperoxaluria (PMID: 27151922). This variant is not present in population databases (gnomAD no frequency). This sequence change affects a donor splice site in intron 4 of the AGXT gene. It is expected to disrupt RNA splicing. Variants that disrupt the donor or acceptor splice site typically lead to a loss of protein function (PMID: 16199547), and loss-of-function variants in AGXT are known to be pathogenic (PMID: 19479957).

Literature cited by the submitters: PubMed 27151922; PubMed 16199547; PubMed 19479957.

NM_000030.3(AGXT):c.524+1G>A

Gene: AGXT (alanine--glyoxylate aminotransferase; plus strand). Cytogenetic location: 2q37.3.
Variant type: single nucleotide variant.
Coding change: c.524+1G>A on transcript NM_000030.3 (MANE Select); the canonical splice donor site of the intron after coding-DNA position 524, G replaced by A.
Molecular consequence: splice donor variant.
Genome position (GRCh38, 1-based): chr2:240,871,450, G>A. VCF-style: chr2-240871450-G-A. GRCh37 (hg19) VCF-style: chr2-241810867-G-A.
Identifiers: ClinVar variation 2203298 (VCV002203298.4), dbSNP rs2058990168, ClinGen allele CA351316212.
Genomic context (GRCh38, chr2:240,871,450, plus strand): 5'-CGGGGAGTCGTCCACCGGCGTGCTGCAGCCCCTTGATGGCTTCGGGGAACTCTGCCACAG[G>A]TGAGCCTGGCCCCAGGGCGGTGGACTGGAGCACAGCTCAGAGCCAGGCTATGGGGAGGGG-3'